The following is an entry in ClinVar:

ClinVar aggregate classification (germline): Benign/Likely benign. Review status: criteria provided, multiple submitters, no conflicts (2 of 4 stars). 15 submissions from 14 submitters: Benign (8); Likely benign (7). Last evaluated 2026-01-27.

Conditions:
Fibromuscular dysplasia, multifocal. Identifiers: MedGen C5543412, MONDO:0859151, OMIM 619329.
Ehlers-Danlos syndrome, classic type, 1 (EDSCL1). Also called: Ehlers-Danlos syndrome, type 1; Ehlers-Danlos Syndrome, Classic Type, COL5A1-Related; EDS I; EHLERS-DANLOS SYNDROME, GRAVIS TYPE; EHLERS-DANLOS SYNDROME, SEVERE CLASSIC TYPE. Identifiers: MedGen C0268335, MONDO:0019567, OMIM 130000.
Ehlers-Danlos syndrome (EDS). Identifiers: Orphanet 98249, MedGen C0013720, MONDO:0020066.
Ehlers-Danlos syndrome, classic type (cEDS). Identifiers: Orphanet 287, MedGen C4225429, MONDO:0007522.
Familial thoracic aortic aneurysm and aortic dissection (TAAD). Also called: Thoracic aortic aneurysms and dissections. Identifiers: Orphanet 91387, MedGen C4707243, MONDO:0019625.

Allele frequency attached by ClinVar (database versions not stated): 1000 Genomes Project 30x 0.00047; 1000 Genomes Project 0.00060; TOPMed 0.00085; gnomAD 0.00100 and 0.00102; ESP Exome Variant Server 0.00140; ExAC 0.00143.
gnomAD v4.1: 1,996 of 1,550,988 alleles (0.13%); highest among the groups gnomAD compares: Non-Finnish European, 0.15%; 2 homozygotes.

Submissions (15):

Labcorp Genetics (formerly Invitae), Labcorp
Classification: Benign for Ehlers-Danlos syndrome, classic type, 1. Last evaluated: 2026-01-27. Review status: criteria provided, single submitter. Criteria: Invitae Variant Classification Sherloc (09022015). Collection method: clinical testing. Allele origin: germline.

Mayo Clinic Laboratories, Mayo Clinic
Classification: Likely benign. Last evaluated: 2025-08-19. Review status: criteria provided, single submitter. Criteria: ACMG Guidelines, 2015. Collection method: clinical testing. Allele origin: germline. Observed: 14 variant alleles.
Comment: BS1, BP4, BP7

CeGaT Center for Human Genetics Tuebingen
Classification: Likely benign. Last evaluated: 2025-06-01. Review status: criteria provided, single submitter. Criteria: CeGaT Center For Human Genetics Tuebingen Variant Classification Criteria Version 2. Collection method: clinical testing. Allele origin: germline. Affected: yes. Observed: 8 variant alleles.
Comment: COL5A1: BP4, BP7

ARUP Laboratories, Molecular Genetics and Genomics, ARUP Laboratories
Classification: Benign. Last evaluated: 2025-05-15. Review status: criteria provided, single submitter. Criteria: ARUP Molecular Germline Variant Investigation Process 2024. Collection method: clinical testing. Allele origin: germline.

Molecular Diagnostic Laboratory for Inherited Cardiovascular Disease, Montreal Heart Institute
Classification: Likely benign. Last evaluated: 2025-04-09. Review status: criteria provided, single submitter. Criteria: ACMG Guidelines, 2015. Collection method: clinical testing. Allele origin: germline. Affected: no.
Comment: BS1;BP7

Blueprint Genetics
Classification: Likely benign. Last evaluated: 2024-11-18. Review status: criteria provided, single submitter. Criteria: ACMG Guidelines, 2015. Collection method: clinical testing. Allele origin: germline.

Women's Health and Genetics/Laboratory Corporation of America, LabCorp
Classification: Benign. Last evaluated: 2023-07-30. Review status: criteria provided, single submitter. Criteria: LabCorp Variant Classification Summary - May 2015. Collection method: clinical testing. Allele origin: germline.

Ambry Genetics
Classification: Likely benign for Familial thoracic aortic aneurysm and aortic dissection. Last evaluated: 2023-05-19. Review status: criteria provided, single submitter. Criteria: Ambry Variant Classification Scheme 2023. Collection method: clinical testing. Allele origin: germline.

Genome-Nilou Lab
Classification: Benign for Ehlers-Danlos syndrome, classic type, 1. Last evaluated: 2022-03-15. Review status: criteria provided, single submitter. Criteria: ACMG Guidelines, 2015. Collection method: clinical testing. Allele origin: germline. Affected: no.

Genome-Nilou Lab
Classification: Benign for Fibromuscular dysplasia, multifocal. Last evaluated: 2022-03-15. Review status: criteria provided, single submitter. Criteria: ACMG Guidelines, 2015. Collection method: clinical testing. Allele origin: germline. Affected: no.

Fulgent Genetics
Classification: Likely benign for Ehlers-Danlos syndrome, classic type, 1; Fibromuscular dysplasia, multifocal. Last evaluated: 2022-03-11. Review status: criteria provided, single submitter. Criteria: ACMG Guidelines, 2015. Collection method: clinical testing. Allele origin: unknown.

Genome Diagnostics Laboratory, The Hospital for Sick Children
Classification: Benign for Ehlers-Danlos syndrome. Last evaluated: 2021-12-20. Review status: criteria provided, single submitter. Criteria: ACMG Guidelines, 2015. Collection method: clinical testing. Allele origin: germline.

Illumina Laboratory Services, Illumina
Classification: Benign for Ehlers-Danlos syndrome, classic type, 1. Last evaluated: 2018-01-12. Review status: criteria provided, single submitter. Criteria: ICSL Variant Classification Criteria 13 December 2019. Collection method: clinical testing. Allele origin: germline.
Comment: This variant was observed in the ICSL laboratory as part of a predisposition screen in an ostensibly healthy population. It had not been previously curated by ICSL or reported in the Human Gene Mutation Database (HGMD: prior to June 1st, 2018), and was therefore a candidate for classification through an automated scoring system. Utilizing variant allele frequency, disease prevalence and penetrance estimates, and inheritance mode, an automated score was calculated to assess if this variant is too frequent to cause the disease. Based on the score and internal cut-off values, a variant classified as benign is not then subjected to further curation. The score for this variant resulted in a classification of benign for this disease.

GeneDx
Classification: Benign. Last evaluated: 2013-05-24. Review status: criteria provided, single submitter. Criteria: GeneDx Variant Classification (06012015). Collection method: clinical testing. Allele origin: germline. Affected: yes.
Comment: This variant is considered likely benign or benign based on one or more of the following criteria: it is a conservative change, it occurs at a poorly conserved position in the protein, it is predicted to be benign by multiple in silico algorithms, and/or has population frequency not consistent with disease.

PreventionGenetics, part of Exact Sciences
Classification: Likely benign. Review status: criteria provided, single submitter. Criteria: ACMG Guidelines, 2015. Collection method: clinical testing. Allele origin: germline.

NM_000093.5(COL5A1):c.3855C>T (p.Gly1285=)

Gene: COL5A1 (collagen type V alpha 1 chain; plus strand). Cytogenetic location: 9q34.3.
Variant type: single nucleotide variant.
Coding change: c.3855C>T on transcript NM_000093.5 (MANE Select); coding-DNA position 3855, C replaced by T.
Protein change: p.Gly1285=; no amino-acid change (glycine 1285 retained).
Molecular consequence: synonymous variant.
Genome position (GRCh38, 1-based): chr9:134,813,985, C>T. VCF-style: chr9-134813985-C-T. GRCh37 (hg19) VCF-style: chr9-137705831-C-T.
Other names: p.G1285G:GGC>GGT; p.Gly1285=; c.3855C>T, p.Gly1285= (NM_001278074.1).
Identifiers: ClinVar variation 136882 (VCV000136882.62), dbSNP rs139544503, ClinGen allele CA290260.